The following is an entry in ClinVar:

ClinVar aggregate classification (germline): Uncertain significance (1 of 4 stars; one submission).

Conditions:
Hereditary cancer-predisposing syndrome. Also called: Neoplastic Syndromes, Hereditary; Tumor predisposition; Hereditary Cancer Syndrome; Hereditary neoplastic syndrome. Identifiers: Orphanet 140162, MedGen C0027672, MeSH D009386, MONDO:0015356.

Submission:

Ambry Genetics
Classification: Uncertain significance for Hereditary cancer-predisposing syndrome. Last evaluated: 2025-03-27. Review status: criteria provided, single submitter. Criteria: Ambry Variant Classification Scheme 2023. Collection method: clinical testing. Allele origin: germline.
Comment: The p.S1374G variant (also known as c.4120A>G), located in coding exon 10 of the BRCA1 gene, results from an A to G substitution at nucleotide position 4120. The serine at codon 1374 is replaced by glycine, an amino acid with similar properties. This amino acid position is conserved. In addition, the in silico prediction for this alteration is inconclusive. Since supporting evidence is limited at this time, the clinical significance of this alteration remains unclear.

NM_007294.4(BRCA1):c.4120A>G (p.Ser1374Gly)

Gene: BRCA1 (BRCA1 DNA repair associated; minus strand). Cytogenetic location: 17q21.31.
Variant type: single nucleotide variant.
Coding change: c.4120A>G on transcript NM_007294.4 (MANE Select); coding-DNA position 4120, A replaced by G.
Protein change: p.Ser1374Gly; replaces serine 1374 with glycine.
Molecular consequence: missense variant. On other transcripts: non-coding transcript variant (1).
Genome position (GRCh38, 1-based): chr17:43,091,009, T>C on the plus strand (A>G on the coding strand, the complement: BRCA1 is on the minus strand). VCF-style: chr17-43091009-T-C. GRCh37 (hg19) VCF-style: chr17-41243026-T-C.
Other names: c.3994A>G, p.Ser1332Gly (NM_001407671.1, NM_001407672.1, NM_001407673.1 and 11 more transcripts); c.3997A>G, p.Ser1333Gly (NM_001407674.1, NM_001407675.1, NM_001407676.1 and 19 more transcripts); c.3979A>G, p.Ser1327Gly (NM_001407692.1, NM_001407694.1, NM_001407695.1 and 29 more transcripts); c.3976A>G, p.Ser1326Gly (NM_001407740.1, NM_001407741.1, NM_001407838.1 and 20 more transcripts); c.4117A>G, p.Ser1373Gly (NM_001407860.1, NM_001407861.1, NM_001407587.1 and 22 more transcripts); c.3919A>G, p.Ser1307Gly (NM_001407862.1); c.3916A>G, p.Ser1306Gly (NM_001407874.1, NM_001407875.1); c.3910A>G, p.Ser1304Gly (NM_001407879.1, NM_001407881.1, NM_001407882.1 and 13 more transcripts); and 41 more; short protein forms S1285G, S1286G, S1327G, S144G, S160G, S182G, S183G, S223G.
Identifiers: ClinVar variation 1738022 (VCV001738022.3), dbSNP rs2154256713, ClinGen allele CA10593486.
Genomic context (GRCh38, chr17:43,091,009, plus strand): 5'-TGGTTAAAATGTCACTCTGAGAGGATAGCCCTGAGCAGTCTTCAGAGACGCTTGTTTCAC[T>C]CTCACACCCAGATGCTGCTTCACCTTAAATAACAAAAACAGAGGTTCAGATGTAAAAGCA-3'
Protein context (NP_009225.1, residues 1364-1384): NLGEAASGCE[Ser1374Gly]ETSVSEDCSG